The following is an entry in ClinVar:

ClinVar aggregate classification (germline): Uncertain significance (1 of 4 stars; one submission).

Allele frequency attached by ClinVar (database versions not stated): gnomAD exomes below 0.00001.

Submission:

Labcorp Genetics (formerly Invitae), Labcorp
Classification: Uncertain significance. Last evaluated: 2022-02-11. Review status: criteria provided, single submitter. Criteria: Invitae Variant Classification Sherloc (09022015). Collection method: clinical testing. Allele origin: germline.
Comment: This sequence change replaces arginine, which is basic and polar, with lysine, which is basic and polar, at codon 165 of the ROM1 protein (p.Arg165Lys). This variant is not present in population databases (gnomAD no frequency). In summary, the available evidence is currently insufficient to determine the role of this variant in disease. Therefore, it has been classified as a Variant of Uncertain Significance. Algorithms developed to predict the effect of missense changes on protein structure and function output the following: SIFT: "Tolerated"; PolyPhen-2: "Benign"; Align-GVGD: "Class C0". The lysine amino acid residue is found in multiple mammalian species, which suggests that this missense change does not adversely affect protein function. ClinVar contains an entry for this variant (Variation ID: 836550). This variant has not been reported in the literature in individuals affected with ROM1-related conditions.

NM_000327.4(ROM1):c.494G>A (p.Arg165Lys)

Gene: ROM1 (retinal outer segment membrane protein 1; plus strand). Cytogenetic location: 11q12.3.
Variant type: single nucleotide variant.
Coding change: c.494G>A on transcript NM_000327.4 (MANE Select); coding-DNA position 494, G replaced by A.
Protein change: p.Arg165Lys; replaces arginine 165 with lysine.
Molecular consequence: missense variant.
Genome position (GRCh38, 1-based): chr11:62,613,775, G>A. VCF-style: chr11-62613775-G-A. GRCh37 (hg19) VCF-style: chr11-62381247-G-A.
Other names: short protein forms R165K.
Identifiers: ClinVar variation 836550 (VCV000836550.11), dbSNP rs1942958388, ClinGen allele CA380970055.
Genomic context (GRCh38, chr11:62,613,775, plus strand): 5'-AGGACACAGAGGTGCCTGGGCACTGTCAGGCCAAAAGGCTGGTGGATGAGCTGCAACTGA[G>A]GTACCACTGCTGCGGGCGCCACGGGTACAAGGATTGGTTTGGGGTCCAGTGGGTCAGCAG-3'
Protein context (NP_000318.2, residues 155-175): AKRLVDELQL[Arg165Lys]YHCCGRHGYK